The following is an entry in ClinVar:

NM_001199862.2(KCNAB2):c.732+44C>T

Gene: KCNAB2 (potassium voltage-gated channel subfamily A regulatory beta subunit 2; plus strand). Cytogenetic location: 1p36.31.
Variant type: single nucleotide variant.
Coding change: c.732+44C>T on transcript NM_001199862.2 (MANE Select); 44 bases into the intron after coding-DNA position 732, C replaced by T.
Molecular consequence: intron variant.
Genome position (GRCh38, 1-based): chr1:6,094,529, C>T. VCF-style: chr1-6094529-C-T. GRCh37 (hg19) VCF-style: chr1-6154589-C-T.
Other names: c.588+44C>T (NM_001199861.2, NM_003636.4, NM_001199860.2); c.546+44C>T (NM_172130.3); c.387+44C>T (NM_001199863.2).
Identifiers: ClinVar variation 2638115 (VCV002638115.24), dbSNP rs41279458, ClinGen allele CA555348.

ClinVar aggregate classification (germline): Likely benign (1 of 4 stars; one submission).

Allele frequency attached by ClinVar (database versions not stated): 1000 Genomes Project 0.00439; 1000 Genomes Project 30x 0.00468; ESP Exome Variant Server 0.00594; ExAC 0.00951.
gnomAD v4.1: 11,435 of 1,517,490 alleles (0.75%); highest among the groups gnomAD compares: Middle Eastern, 1.2%; 52 homozygotes.

Submission:

CeGaT Center for Human Genetics Tuebingen
Classification: Likely benign. Last evaluated: 2023-04-01. Review status: criteria provided, single submitter. Criteria: CeGaT Center For Human Genetics Tuebingen Variant Classification Criteria Version 2. Collection method: clinical testing. Allele origin: germline. Affected: yes. Observed: 3 variant alleles.
Comment: KCNAB2: BS2